The following is an entry in ClinVar:

NM_001267550.2(TTN):c.20905T>C (p.Cys6969Arg)

Genes: TTN (titin; minus strand), LOC126806428 (BRD4-independent group 4 enhancer GRCh37_chr2:179588362-179589561; plus strand). Cytogenetic location: 2q31.2.
Variant type: single nucleotide variant.
Coding change: c.20905T>C on transcript NM_001267550.2 (MANE Select); coding-DNA position 20905, T replaced by C.
Protein change: p.Cys6969Arg; replaces cysteine 6969 with arginine.
Molecular consequence: missense variant. On other transcripts: intron variant (3).
Genome position (GRCh38, 1-based): chr2:178,724,470, A>G on the plus strand (T>C on the coding strand, the complement: TTN is on the minus strand). VCF-style: chr2-178724470-A-G. GRCh37 (hg19) VCF-style: chr2-179589197-A-G.
Other names: c.19954T>C, p.Cys6652Arg (NM_001256850.1); c.17173T>C, p.Cys5725Arg (NM_133378.4); c.13282+13612T>C (NM_003319.4); c.13858+13612T>C (NM_133437.4); c.13657+13612T>C (NM_133432.3); short protein forms C6652R, C6969R, C5725R.
Identifiers: ClinVar variation 512634 (VCV000512634.1), dbSNP rs368762020, ClinGen allele CA2001114.
Genomic context (GRCh38, chr2:178,724,470, plus strand): 5'-TCAACAGCTTTCCATCCTTGTACCATTCAACAGAGAGTTCCGGAGTGCCAGCCACCTTAC[A>G]CTCCAGAGTGCACGTTTCTCCTACAGTCACCGTCATCGGTCCTGCCTTCTCAACAATGAC-3'
Protein context (NP_001254479.2, residues 6959-6979): VTVGETCTLE[Cys6969Arg]KVAGTPELSV

ClinVar aggregate classification (germline): Likely benign (1 of 4 stars; one submission).

Allele frequency attached by ClinVar (database versions not stated): gnomAD below 0.00001.
gnomAD v4.1: 22 of 1,612,616 alleles (0.0014%); highest among the groups gnomAD compares: South Asian, 0.024%; 1 homozygote.

Submission:

GeneDx
Classification: Likely benign. Last evaluated: 2017-10-06. Review status: criteria provided, single submitter. Criteria: GeneDx Variant Classification (06012015). Collection method: clinical testing. Allele origin: germline. Affected: yes.
Comment: This variant is considered likely benign or benign based on one or more of the following criteria: it is a conservative change, it occurs at a poorly conserved position in the protein, it is predicted to be benign by multiple in silico algorithms, and/or has population frequency not consistent with disease.